The following is an entry in ClinVar:

ClinVar aggregate classification (germline): Conflicting classifications of pathogenicity. Review status: criteria provided, conflicting classifications (1 of 4 stars). 13 submissions from 12 submitters: Uncertain significance (1); Benign (4); Likely benign (5). 3 of the submissions do not count toward it. Last evaluated 2026-06-01.

Conditions:
Early-infantile DEE. Also called: Ohtahara syndrome; Early infantile epileptic encephalopathy with suppression bursts; Early infantile epileptic encephalopathy. Identifiers: Orphanet 1934, MedGen C0393706, MONDO:0800491.
Inborn genetic diseases. Identifiers: MedGen C0950123, MeSH D030342.
Generalized epilepsy with febrile seizures plus, type 2 (GEFSP2). Also called: GEFS+, TYPE 2. Identifiers: Orphanet 36387, MedGen C1858673, MONDO:0011461, OMIM 604403.
Migraine, familial hemiplegic, 3. Identifiers: Orphanet 569, MedGen C1864987, MONDO:0012320, OMIM 609634.

Allele frequency attached by ClinVar (database versions not stated): gnomAD 0.00111 and 0.00114; TOPMed 0.00113; gnomAD exomes 0.00129 and 0.00148; ESP Exome Variant Server 0.00131; ExAC 0.00136.
gnomAD v4.1: 2,321 of 1,613,158 alleles (0.14%); highest among the groups gnomAD compares: Non-Finnish European, 0.16%; 3 homozygotes.

Submissions (13):

CeGaT Center for Human Genetics Tuebingen
Classification: Likely benign. Last evaluated: 2026-06-01. Review status: criteria provided, single submitter. Criteria: CeGaT Center For Human Genetics Tuebingen Variant Classification Criteria Version 2. Collection method: clinical testing. Allele origin: germline. Affected: yes. Observed: 30 variant alleles.
Comment: SCN1A: BP4, BP7, BS1

Labcorp Genetics (formerly Invitae), Labcorp
Classification: Benign for Early-infantile DEE. Last evaluated: 2026-02-02. Review status: criteria provided, single submitter. Criteria: Invitae Variant Classification Sherloc (09022015). Collection method: clinical testing. Allele origin: germline.

Blueprint Genetics
Classification: Benign. Last evaluated: 2024-11-15. Review status: criteria provided, single submitter. Criteria: ACMG Guidelines, 2015. Collection method: clinical testing. Allele origin: germline.

Mayo Clinic Laboratories, Mayo Clinic
Classification: Benign. Last evaluated: 2022-03-07. Review status: criteria provided, single submitter. Criteria: ACMG Guidelines, 2015. Collection method: clinical testing. Allele origin: germline. Observed: 4 variant alleles.
Comment: BS1, BS2, BP4, BP7

Institute of Human Genetics, University of Leipzig Medical Center
Classification: Likely benign for Generalized epilepsy with febrile seizures plus, type 2. Last evaluated: 2019-01-01. Review status: criteria provided, single submitter. Criteria: ACMG Guidelines, 2015. Collection method: clinical testing. Allele origin: unknown. Affected: yes.

Illumina Laboratory Services, Illumina
Classification: Likely benign for Migraine, familial hemiplegic, 3. Last evaluated: 2018-01-13. Review status: criteria provided, single submitter. Criteria: ICSL Variant Classification Criteria 13 December 2019. Collection method: clinical testing. Allele origin: germline.
Comment: This variant was observed in the ICSL laboratory as part of a predisposition screen in an ostensibly healthy population. It had not been previously curated by ICSL or reported in the Human Gene Mutation Database (HGMD: prior to June 1st, 2018), and was therefore a candidate for classification through an automated scoring system. Utilizing variant allele frequency, disease prevalence and penetrance estimates, and inheritance mode, an automated score was calculated to assess if this variant is too frequent to cause the disease. Based on the score and internal cut-off values, a variant classified as likely benign is not then subjected to further curation. The score for this variant resulted in a classification of likely benign for this disease.

Illumina Laboratory Services, Illumina
Classification: Uncertain significance for Generalized epilepsy with febrile seizures plus, type 2. Last evaluated: 2018-01-13. Review status: criteria provided, single submitter. Criteria: ICSL Variant Classification Criteria 13 December 2019. Collection method: clinical testing. Allele origin: germline.

Ambry Genetics
Classification: Likely benign for Inborn genetic diseases. Last evaluated: 2016-07-12. Review status: criteria provided, single submitter. Criteria: Ambry Variant Classification Scheme 2023. Collection method: clinical testing. Allele origin: germline.

Eurofins Ntd Llc (ga)
Classification: Likely benign. Last evaluated: 2016-01-12. Review status: criteria provided, single submitter. Criteria: EGL Classification Definitions 2015. Collection method: clinical testing. Allele origin: germline. Observed: 3 variant alleles, 3 heterozygotes.

GeneDx
Classification: Benign. Last evaluated: 2013-04-30. Review status: criteria provided, single submitter. Criteria: GeneDx Variant Classification (06012015). Collection method: clinical testing. Allele origin: germline. Affected: yes.
Comment: This variant is considered likely benign or benign based on one or more of the following criteria: it is a conservative change, it occurs at a poorly conserved position in the protein, it is predicted to be benign by multiple in silico algorithms, and/or has population frequency not consistent with disease.

Clinical Genetics DNA and cytogenetics Diagnostics Lab, Erasmus MC, Erasmus Medical Center
Classification: Likely benign. Review status: no assertion criteria provided. Collection method: clinical testing. Allele origin: germline. Affected: yes. Study: VKGL Data-share Consensus. Not counted in ClinVar's aggregate classification.

Genome Diagnostics Laboratory, University Medical Center Utrecht
Classification: Likely benign. Review status: no assertion criteria provided. Collection method: clinical testing. Allele origin: germline. Affected: yes. Study: VKGL Data-share Consensus. Not counted in ClinVar's aggregate classification.

Joint Genome Diagnostic Labs from Nijmegen and Maastricht, Radboudumc and MUMC+
Classification: Likely benign. Review status: no assertion criteria provided. Collection method: clinical testing. Allele origin: germline. Affected: yes. Study: VKGL Data-share Consensus. Not counted in ClinVar's aggregate classification.

NM_001165963.4(SCN1A):c.4731T>C (p.Asn1577=)

Genes: SCN1A (sodium voltage-gated channel alpha subunit 1; minus strand), LOC102724058 (uncharacterized LOC102724058; plus strand). Cytogenetic location: 2q24.3.
Variant type: single nucleotide variant.
Coding change: c.4731T>C on transcript NM_001165963.4 (MANE Select); coding-DNA position 4731, T replaced by C.
Protein change: p.Asn1577=; no amino-acid change (asparagine 1577 retained).
Molecular consequence: synonymous variant. On other transcripts: non-coding transcript variant (1).
Genome position (GRCh38, 1-based): chr2:165,994,267, A>G on the plus strand (T>C on the coding strand, the complement: SCN1A is on the minus strand). VCF-style: chr2-165994267-A-G. GRCh37 (hg19) VCF-style: chr2-166850777-A-G.
Other names: p.N1577N:AAT>AAC; p.Asn1577=; c.4647T>C, p.Asn1549= (NM_001165964.3, NM_001353957.2, NM_001353958.2); c.4731T>C, p.Asn1577= (NM_001202435.3, NM_001353948.2); c.4698T>C, p.Asn1566= (NM_001353949.2, NM_001353950.2, NM_001353951.2 and 2 more transcripts); c.4695T>C, p.Asn1565= (NM_001353954.2, NM_001353955.2); c.4644T>C, p.Asn1548= (NM_001353960.2); c.2289T>C, p.Asn763= (NM_001353961.2); and 1 more.
Identifiers: ClinVar variation 93655 (VCV000093655.67), dbSNP rs145296488, ClinGen allele CA221603.